The following is an entry in ClinVar:

ClinVar aggregate classification (germline): Conflicting classifications of pathogenicity. Review status: criteria provided, conflicting classifications (1 of 4 stars). 4 submissions from 4 submitters: Uncertain significance (3); Likely benign (1). Last evaluated 2026-06-15.

Conditions:
Familial cold autoinflammatory syndrome 2 (FCAS2). Identifiers: Orphanet 247868, MedGen C2673198, MONDO:0012724, OMIM 611762.

Allele frequency attached by ClinVar (database versions not stated): TOPMed 0.00001.
gnomAD v4.1: 37 of 1,613,978 alleles (0.0023%); highest among the groups gnomAD compares: Middle Eastern, 0.033%; no homozygotes.

Submissions (4):

Women's Health and Genetics/Laboratory Corporation of America, LabCorp
Classification: Uncertain significance. Last evaluated: 2026-06-15. Review status: criteria provided, single submitter. Criteria: LabCorp Variant Classification Summary - May 2015. Collection method: clinical testing. Allele origin: germline.
Comment: Variant summary: NLRP12 c.2182C>T (p.Arg728Trp) results in a non-conservative amino acid change in the encoded protein sequence. Algorithms developed to predict the effect of missense changes on protein structure and function are either unavailable or do not agree on the potential impact of this missense change. The variant allele was found at a frequency of 1.6e-05 in 251302 control chromosomes. The available data on variant occurrences in the general population are insufficient to allow any conclusion about variant significance. To our knowledge, no occurrence of c.2182C>T in individuals affected with NLRP12-related conditions and no experimental evidence demonstrating its impact on protein function have been reported. ClinVar contains an entry for this variant (Variation ID: 871354). Based on the evidence outlined above, the variant was classified as uncertain significance.

ARUP Laboratories, Molecular Genetics and Genomics, ARUP Laboratories
Classification: Uncertain significance for Familial cold autoinflammatory syndrome 2. Last evaluated: 2025-07-22. Review status: criteria provided, single submitter. Criteria: ARUP Molecular Germline Variant Investigation Process 2024. Collection method: clinical testing. Allele origin: germline.
Comment: The NLRP12 c.2182C>T; p.Arg728Trp variant (rs764354581), to our knowledge, is not reported in the medical literature but is reported in ClinVar (Variation ID: 871354). This variant is found in the general population with an overall allele frequency of 0.002% (5/282,700 alleles) in the Genome Aggregation Database (v2.1.1). Computational analyses are uncertain whether this variant is neutral or deleterious (REVEL: 0.312). Due to limited information, the clinical significance of this variant is uncertain at this time.

CeGaT Center for Human Genetics Tuebingen
Classification: Uncertain significance. Last evaluated: 2019-12-01. Review status: criteria provided, single submitter. Criteria: CeGaT Center For Human Genetics Tuebingen Variant Classification Criteria Version 2. Collection method: clinical testing. Allele origin: germline. Affected: yes. Observed: 1 variant allele.

Illumina Laboratory Services, Illumina
Classification: Likely benign for Familial cold autoinflammatory syndrome 2. Last evaluated: 2018-01-12. Review status: criteria provided, single submitter. Criteria: ICSL Variant Classification Criteria 13 December 2019. Collection method: clinical testing. Allele origin: germline.
Comment: This variant was observed in the ICSL laboratory as part of a predisposition screen in an ostensibly healthy population. It had not been previously curated by ICSL or reported in the Human Gene Mutation Database (HGMD: prior to June 1st, 2018), and was therefore a candidate for classification through an automated scoring system. Utilizing variant allele frequency, disease prevalence and penetrance estimates, and inheritance mode, an automated score was calculated to assess if this variant is too frequent to cause the disease. Based on the score and internal cut-off values, a variant classified as likely benign is not then subjected to further curation. The score for this variant resulted in a classification of likely benign for this disease.

NM_144687.4(NLRP12):c.2182C>T (p.Arg728Trp)

Gene: NLRP12 (NLR family pyrin domain containing 12; minus strand). Cytogenetic location: 19q13.42.
Variant type: single nucleotide variant.
Coding change: c.2182C>T on transcript NM_144687.4 (MANE Select); coding-DNA position 2182, C replaced by T.
Protein change: p.Arg728Trp; replaces arginine 728 with tryptophan.
Molecular consequence: missense variant.
Genome position (GRCh38, 1-based): chr19:53,807,556, G>A on the plus strand (C>T on the coding strand, the complement: NLRP12 is on the minus strand). VCF-style: chr19-53807556-G-A. GRCh37 (hg19) VCF-style: chr19-54310810-G-A.
Other names: c.2185C>T, p.Arg729Trp (NM_001277126.2); c.2182C>T, p.Arg728Trp (NM_001277129.1); short protein forms R728W, R729W.
Identifiers: ClinVar variation 871354 (VCV000871354.47), dbSNP rs764354581, ClinGen allele CA9639201.